The following is an entry in ClinVar:

ClinVar aggregate classification (germline): Uncertain significance. Review status: criteria provided, multiple submitters, no conflicts (2 of 4 stars). 2 submissions from 2 submitters: Uncertain significance (2). Last evaluated 2023-07-17.

Conditions:
BNAR syndrome. Also called: Bifid Nose With or Without Anorectal and Renal Anomalies (BNAR) Syndrome. Identifiers: Orphanet 217266, MedGen C2750433, MONDO:0012165, OMIM 608980.
Oculotrichoanal syndrome (MOTA). Also called: MARLES SYNDROME; Manitoba Oculotrichoanal (MOTA) Syndrome. Identifiers: Orphanet 2717, MedGen C1855425, MONDO:0009560, OMIM 248450.
Trigonocephaly 2 (TRIGNO2). Identifiers: Orphanet 3366, MedGen C3280974, MONDO:0013774, OMIM 614485.

Allele frequency attached by ClinVar (database versions not stated): TOPMed 0.00003; ExAC 0.00003; gnomAD exomes 0.00001.
gnomAD v4.1: 13 of 1,605,066 alleles (0.00081%); highest among the groups gnomAD compares: Admixed American, 0.022%; no homozygotes.

Submissions (2):

Labcorp Genetics (formerly Invitae), Labcorp
Classification: Uncertain significance. Last evaluated: 2023-07-17. Review status: criteria provided, single submitter. Criteria: Invitae Variant Classification Sherloc (09022015). Collection method: clinical testing. Allele origin: germline.
Comment: This variant is present in population databases (rs761978742, gnomAD 0.03%). In summary, the available evidence is currently insufficient to determine the role of this variant in disease. Therefore, it has been classified as a Variant of Uncertain Significance. Advanced modeling of protein sequence and biophysical properties (such as structural, functional, and spatial information, amino acid conservation, physicochemical variation, residue mobility, and thermodynamic stability) performed at Invitae indicates that this missense variant is not expected to disrupt FREM1 protein function. This variant has not been reported in the literature in individuals affected with FREM1-related conditions. This sequence change replaces lysine, which is basic and polar, with glutamic acid, which is acidic and polar, at codon 1230 of the FREM1 protein (p.Lys1230Glu).

Department of Pathology and Laboratory Medicine, Sinai Health System
Classification: Uncertain significance for Oculotrichoanal syndrome; BNAR syndrome; Trigonocephaly 2. Last evaluated: 2022-02-11. Review status: criteria provided, single submitter. Criteria: ACMG Guidelines, 2015. Collection method: research. Allele origin: germline.

NM_001379081.2(FREM1):c.3688A>G (p.Lys1230Glu)

Gene: FREM1 (FRAS1 related extracellular matrix 1; minus strand). Cytogenetic location: 9p22.3.
Variant type: single nucleotide variant.
Coding change: c.3688A>G on transcript NM_001379081.2 (MANE Select); coding-DNA position 3688, A replaced by G.
Protein change: p.Lys1230Glu; replaces lysine 1230 with glutamic acid.
Molecular consequence: missense variant. On other transcripts: non-coding transcript variant (2).
Genome position (GRCh38, 1-based): chr9:14,801,658, T>C on the plus strand (A>G on the coding strand, the complement: FREM1 is on the minus strand). VCF-style: chr9-14801658-T-C. GRCh37 (hg19) VCF-style: chr9-14801656-T-C.
Other names: c.3688A>G, p.Lys1230Glu (NM_144966.7); short protein forms K1230E.
Identifiers: ClinVar variation 1985668 (VCV001985668.5), dbSNP rs761978742, ClinGen allele CA4990461.